The following is an entry in ClinVar:

NM_001242896.3(DEPDC5):c.1893G>C (p.Gln631His)

Gene: DEPDC5 (DEP domain containing 5, GATOR1 subcomplex subunit; plus strand). Cytogenetic location: 22q12.3.
Variant type: single nucleotide variant.
Coding change: c.1893G>C on transcript NM_001242896.3 (MANE Select); coding-DNA position 1893, G replaced by C.
Protein change: p.Gln631His; replaces glutamine 631 with histidine.
Molecular consequence: missense variant. On other transcripts: non-coding transcript variant (4), intron variant (3).
Genome position (GRCh38, 1-based): chr22:31,821,524, G>C. VCF-style: chr22-31821524-G-C. GRCh37 (hg19) VCF-style: chr22-32217510-G-C.
Other names: c.1893G>C, p.Gln631His (NM_001136029.4, NM_001363852.2, NM_001364318.2 and 3 more transcripts); c.1809G>C, p.Gln603His (NM_001369901.1, NM_001369902.1); c.1870+2299G>C (NM_001363854.2, NM_001242897.2, NM_001364319.2); short protein forms Q631H, Q603H.
Identifiers: ClinVar variation 4720616 (VCV004720616.1).
Genomic context (GRCh38, chr22:31,821,524, plus strand): 5'-AGGTGGGAATGATGCTCAGTGGTTCTTTATCTGGGTAGGGCCATCCGGAGAAGCCATCCA[G>C]ATCCACCACCAGACCCGACAGAATATGGCGGAGCTACAAGGCAGCGGGCAGAGGGATCCA-3'
Protein context (NP_001229825.1, residues 621-641): FPVGPSGEAI[Gln631His]IHHQTRQNMA

ClinVar aggregate classification (germline): Uncertain significance (1 of 4 stars; one submission).

Conditions:
Familial focal epilepsy with variable foci (FPEVF). Identifiers: Orphanet 98820, MedGen C1858477, MONDO:0020310.

Submission:

Labcorp Genetics (formerly Invitae), Labcorp
Classification: Uncertain significance for Familial focal epilepsy with variable foci. Last evaluated: 2025-06-02. Review status: criteria provided, single submitter. Criteria: Invitae Variant Classification Sherloc (09022015). Collection method: clinical testing. Allele origin: germline.
Comment: This sequence change replaces glutamine, which is neutral and polar, with histidine, which is basic and polar, at codon 631 of the DEPDC5 protein (p.Gln631His). This variant is not present in population databases (gnomAD no frequency). This variant has not been reported in the literature in individuals affected with DEPDC5-related conditions. Experimental studies and prediction algorithms are not available or were not evaluated, and the functional significance of this variant is currently unknown. In summary, the available evidence is currently insufficient to determine the role of this variant in disease. Therefore, it has been classified as a Variant of Uncertain Significance.